The following is an entry in ClinVar:

ClinVar aggregate classification (germline): Uncertain significance (1 of 4 stars; one submission).

Conditions:
CHAMP1-related disorder. Also called: CHAMP1-related condition.

Submission:

PreventionGenetics, part of Exact Sciences
Classification: Uncertain significance for CHAMP1-related condition. Last evaluated: 2026-08-26. Review status: criteria provided, single submitter. Criteria: ACMG Guidelines, 2015. Collection method: clinical testing. Allele origin: germline.
Comment: The CHAMP1 c.394A>G variant is predicted to result in the amino acid substitution p.Met132Val. To our knowledge, this variant has not been reported in the literature. This variant is reported in 0.017% of alleles in individuals of Latino descent in gnomAD. At this time, the clinical significance of this variant is uncertain due to the absence of conclusive functional and genetic evidence.

NM_032436.4(CHAMP1):c.394A>G (p.Met132Val)

Gene: CHAMP1 (chromosome alignment maintaining phosphoprotein 1; plus strand). Cytogenetic location: 13q34.
Variant type: single nucleotide variant.
Coding change: c.394A>G on transcript NM_032436.4 (MANE Select); coding-DNA position 394, A replaced by G.
Protein change: p.Met132Val; replaces methionine 132 with valine.
Molecular consequence: missense variant.
Genome position (GRCh38, 1-based): chr13:114,324,236, A>G. VCF-style: chr13-114324236-A-G. GRCh37 (hg19) VCF-style: chr13-115089711-A-G.
Other names: c.394A>G, p.Met132Val (NM_001164144.3, NM_001164145.3); short protein forms M132V.
Identifiers: ClinVar variation 4979928 (VCV004979928.1).